The following is an entry in ClinVar:

NM_001368894.2(PAX6):c.410T>G (p.Ile137Arg)

Gene: PAX6 (paired box 6; minus strand). Cytogenetic location: 11p13.
Variant type: single nucleotide variant.
Coding change: c.410T>G on transcript NM_001368894.2 (MANE Select); coding-DNA position 410, T replaced by G.
Protein change: p.Ile137Arg; replaces isoleucine 137 with arginine.
Molecular consequence: missense variant. On other transcripts: 5 prime UTR variant (14), non-coding transcript variant (2).
Genome position (GRCh38, 1-based): chr11:31,800,846, A>C on the plus strand (T>G on the coding strand, the complement: PAX6 is on the minus strand). VCF-style: chr11-31800846-A-C. GRCh37 (hg19) VCF-style: chr11-31822394-A-C.
Other names: c.368T>G, p.Ile123Arg (NM_000280.6, NM_001127612.3, NM_001258464.2 and 10 more transcripts); c.410T>G, p.Ile137Arg (NM_001258462.3, NM_001258463.2, NM_001310158.2 and 6 more transcripts); c.-41T>G (NM_001310160.2, NM_001310161.3, NM_001368899.2 and 11 more transcripts); c.485T>G, p.Ile162Arg (NM_001368919.2, NM_001368918.2); c.443T>G, p.Ile148Arg (NM_001368920.2); c.209T>G, p.Ile70Arg (NM_001368921.2, NM_001368922.2, NM_001368923.2 and 4 more transcripts); c.167T>G, p.Ile56Arg (NM_001368928.2); c.611T>G, p.Ile204Arg (NM_001368910.2); and 1 more; short protein forms I123R, I137R, I138R, I148R, I162R, I204R, I56R, I70R.
Identifiers: ClinVar variation 4871864 (VCV004871864.1).
Genomic context (GRCh38, chr11:31,800,846, plus strand): 5'-TACATGCCGTCTGCGCCCATCTGTTGCTTTTCGCTAGCCAGGTTGCGAAGAACTCTGTTT[A>C]TTGATGACACCTGCAAATCAAACCAAAATCAAACCAAATGGTAGTGTCTCCTGAAGACAC-3'
Protein context (NP_001355823.1, residues 127-147): TNDNIPSVSS[Ile137Arg]NRVLRNLASE

ClinVar aggregate classification (germline): Likely pathogenic (1 of 4 stars; one submission).

Conditions:
Aniridia 1 (AN1). Identifiers: Orphanet 250923, MedGen C0344542, MONDO:0024507, OMIM 106210.

Submission:

Department of Ophthalmology, Graduate School of Medicine, The University of Osaka
Classification: Likely pathogenic for Aniridia 1. Last evaluated: 2026-07-08. Review status: criteria provided, single submitter. Criteria: ACMG Guidelines, 2015. Collection method: clinical testing. Allele origin: germline. Affected: yes. Observed: 3 variant alleles.
Comment: This missense variant is located in the paired domain of PAX6, a critical DNA-binding domain (PM1). The variant was absent from gnomAD and other population databases (PM2). It was identified in three family members with congenital aniridia, showing co-segregation with the disease (PP1). In silico analysis by PolyPhen-2 predicted the variant to be possibly damaging with a score of 0.831 (PP3). Based on these criteria, the variant was classified as likely pathogenic.